The following is an entry in ClinVar:

NM_004006.3(DMD):c.563G>T (p.Cys188Phe)

Gene: DMD (dystrophin; minus strand). Cytogenetic location: Xp21.1.
Variant type: single nucleotide variant.
Coding change: c.563G>T on transcript NM_004006.3 (MANE Select); coding-DNA position 563, G replaced by T.
Protein change: p.Cys188Phe; replaces cysteine 188 with phenylalanine.
Molecular consequence: missense variant.
Genome position (GRCh38, 1-based): chrX:32,809,579, C>A on the plus strand (G>T on the coding strand, the complement: DMD is on the minus strand). VCF-style: chrX-32809579-C-A. GRCh37 (hg19) VCF-style: chrX-32827696-C-A.
Other names: c.539G>T, p.Cys180Phe (NM_000109.4); c.551G>T, p.Cys184Phe (NM_004009.3); c.194G>T, p.Cys65Phe (NM_004010.3); short protein forms C188F, C65F, C180F, C184F.
Identifiers: ClinVar variation 1519543 (VCV001519543.6), dbSNP rs2148751620, ClinGen allele CA412673935.
Genomic context (GRCh38, chrX:32,809,579, plus strand): 5'-CCTAATTGATATCTGGCGATGTTGAATGCATGTTCCAGTCGTTGTGTGGCTGACTGCTGG[C>A]AAACCACACTATTCCAGTCAAATAGGTCTGGCCTAAAACACATACACATACACACATACA-3'
Protein context (NP_003997.2, residues 178-198): PDLFDWNSVV[Cys188Phe]QQSATQRLEH

ClinVar aggregate classification (germline): Uncertain significance (1 of 4 stars; one submission).

Conditions:
Duchenne muscular dystrophy (DMD). Also called: MUSCULAR DYSTROPHY, PSEUDOHYPERTROPHIC PROGRESSIVE, DUCHENNE TYPE; Duchenne Muscular Dystrophy (DMD). Identifiers: Orphanet 98896, MedGen C0013264, MONDO:0010679, OMIM 310200.

gnomAD v4.1: 1 of 1,210,782 alleles (0.000083%); highest among the groups gnomAD compares: Non-Finnish European, 0.00011%; no homozygotes.

Submission:

Labcorp Genetics (formerly Invitae), Labcorp
Classification: Uncertain significance for Duchenne muscular dystrophy. Last evaluated: 2025-08-11. Review status: criteria provided, single submitter. Criteria: Invitae Variant Classification Sherloc (09022015). Collection method: clinical testing. Allele origin: germline.
Comment: This sequence change replaces cysteine, which is neutral and slightly polar, with phenylalanine, which is neutral and non-polar, at codon 188 of the DMD protein (p.Cys188Phe). This variant is not present in population databases (gnomAD no frequency). This variant has not been reported in the literature in individuals affected with DMD-related conditions. ClinVar contains an entry for this variant (Variation ID: 1519543). Invitae Evidence Modeling of protein sequence and biophysical properties (such as structural, functional, and spatial information, amino acid conservation, physicochemical variation, residue mobility, and thermodynamic stability) indicates that this missense variant is not expected to disrupt DMD protein function with a negative predictive value of 95%. In summary, the available evidence is currently insufficient to determine the role of this variant in disease. Therefore, it has been classified as a Variant of Uncertain Significance.